The following is an entry in ClinVar:

ClinVar aggregate classification (germline): Uncertain significance (1 of 4 stars; one submission).

gnomAD v4.1: 1 of 1,584,846 alleles (0.000063%); highest among the groups gnomAD compares: Non-Finnish European, 0.000086%; no homozygotes.

Submission:

Ambry Genetics
Classification: Uncertain significance. Last evaluated: 2025-12-22. Review status: criteria provided, single submitter. Criteria: Ambry Variant Classification Scheme 2023. Collection method: clinical testing. Allele origin: germline.
Comment: The p.L272V variant (also known as c.814C>G), located in coding exon 5 of the ATRIP gene, results from a C to G substitution at nucleotide position 814. The leucine at codon 272 is replaced by valine, an amino acid with highly similar properties. This amino acid position is conserved. In addition, this alteration is predicted to be tolerated by in silico analysis. Based on the available evidence, the clinical significance of this variant remains unclear.

NM_130384.3(ATRIP):c.814C>G (p.Leu272Val)

Genes: ATRIP (ATR interacting protein; plus strand), ATRIP-TREX1 (ATRIP-TREX1 readthrough; plus strand). Cytogenetic location: 3p21.31.
Variant type: single nucleotide variant.
Coding change: c.814C>G on transcript NM_130384.3 (MANE Select); coding-DNA position 814, C replaced by G.
Protein change: p.Leu272Val; replaces leucine 272 with valine.
Molecular consequence: missense variant. On other transcripts: non-coding transcript variant (1).
Genome position (GRCh38, 1-based): chr3:48,457,401, C>G. VCF-style: chr3-48457401-C-G. GRCh37 (hg19) VCF-style: chr3-48498801-C-G.
Other names: c.433C>G, p.Leu145Val (NM_001271022.2); c.535C>G, p.Leu179Val (NM_001271023.2); c.814C>G, p.Leu272Val (NM_032166.4); short protein forms L145V, L179V, L272V.
Identifiers: ClinVar variation 4842165 (VCV004842165.1).